The following is an entry in ClinVar:

ClinVar aggregate classification (germline): Conflicting classifications of pathogenicity. Review status: criteria provided, conflicting classifications (1 of 4 stars). 3 submissions from 3 submitters: Uncertain significance (2); Likely benign (1). Last evaluated 2025-02-16.

Conditions:
Cowden syndrome (CS). Also called: Cowden's disease; Cowden's syndrome; Cowden disease. Identifiers: Orphanet 201, MedGen C0018553, MONDO:0016063. Disease mechanism: gain of function.

Allele frequency attached by ClinVar (database versions not stated): ExAC 0.00001; gnomAD 0.00001 and 0.00002; gnomAD exomes 0.00002; TOPMed 0.00002.
gnomAD v4.1: 32 of 1,613,928 alleles (0.002%); highest among the groups gnomAD compares: South Asian, 0.0099%; no homozygotes.

Submissions (3):

Laboratory of Genetics, Children's Clinical University Hospital Latvia
Classification: Likely benign. Last evaluated: 2025-02-16. Review status: criteria provided, single submitter. Criteria: ACMG Guidelines, 2015. Collection method: clinical testing. Allele origin: germline. Affected: yes.

Blueprint Genetics
Classification: Uncertain significance. Last evaluated: 2024-11-04. Review status: criteria provided, single submitter. Criteria: ACMG Guidelines, 2015. Collection method: clinical testing. Allele origin: germline.

Labcorp Genetics (formerly Invitae), Labcorp
Classification: Uncertain significance for Cowden syndrome. Last evaluated: 2023-11-17. Review status: criteria provided, single submitter. Criteria: Invitae Variant Classification Sherloc (09022015). Collection method: clinical testing. Allele origin: germline.
Comment: This sequence change replaces asparagine, which is neutral and polar, with serine, which is neutral and polar, at codon 497 of the PIK3CA protein (p.Asn497Ser). This variant is present in population databases (rs753879573, gnomAD 0.006%). This variant has not been reported in the literature in individuals affected with PIK3CA-related conditions. ClinVar contains an entry for this variant (Variation ID: 246681). Advanced modeling of protein sequence and biophysical properties (such as structural, functional, and spatial information, amino acid conservation, physicochemical variation, residue mobility, and thermodynamic stability) has been performed at Invitae for this missense variant, however the output from this modeling did not meet the statistical confidence thresholds required to predict the impact of this variant on PIK3CA protein function. In summary, the available evidence is currently insufficient to determine the role of this variant in disease. Therefore, it has been classified as a Variant of Uncertain Significance.

NM_006218.4(PIK3CA):c.1490A>G (p.Asn497Ser)

Gene: PIK3CA (phosphatidylinositol-4,5-bisphosphate 3-kinase catalytic subunit alpha; plus strand). Cytogenetic location: 3q26.32.
Variant type: single nucleotide variant.
Coding change: c.1490A>G on transcript NM_006218.4 (MANE Select); coding-DNA position 1490, A replaced by G.
Protein change: p.Asn497Ser; replaces asparagine 497 with serine.
Molecular consequence: missense variant.
Genome position (GRCh38, 1-based): chr3:179,210,516, A>G. VCF-style: chr3-179210516-A-G. GRCh37 (hg19) VCF-style: chr3-178928304-A-G.
Other names: c.1490A>G (LRG_310t1); short protein forms N497S.
Identifiers: ClinVar variation 246681 (VCV000246681.10), dbSNP rs753879573, ClinGen allele CA2710731.